The following is an entry in ClinVar:

NM_004415.4(DSP):c.1680del (p.Arg561fs)

Gene: DSP (desmoplakin; plus strand). Cytogenetic location: 6p24.3.
Variant type: Deletion.
Coding change: c.1680del on transcript NM_004415.4 (MANE Select); coding-DNA position 1680, one base deleted (C; older notation c.1680delC).
Protein change: p.Arg561fs; shifts the reading frame from arginine 561.
Molecular consequence: frameshift variant.
Genome position (GRCh38, 1-based): chr6:7,570,542, C deleted. VCF-style (leftmost placement, unchanged base first): chr6-7570541-TC-T. GRCh37 (hg19) VCF-style: chr6-7570774-TC-T.
Other names: c.1680del, p.Arg561fs (NM_001008844.3, NM_001319034.2); short protein forms R561fs.
Identifiers: ClinVar variation 2948297 (VCV002948297.3), dbSNP rs2533890664, ClinGen allele CA2740094258.

ClinVar aggregate classification (germline): Pathogenic (1 of 4 stars; one submission).

Conditions:
Arrhythmogenic cardiomyopathy with wooly hair and keratoderma. Also called: Dilated cardiomyopathy with woolly hair and keratoderma; PALMOPLANTAR KERATODERMA WITH LEFT VENTRICULAR CARDIOMYOPATHY AND WOOLLY HAIR; Carvajal syndrome; Arrhythmogenic cardiomyopathy with woolly hair and keratoderma. Identifiers: Orphanet 65282, MedGen C1854063, MONDO:0011581, OMIM 605676.
Arrhythmogenic right ventricular dysplasia 8 (ARVD8). Also called: Arrhythmogenic Right Ventricular Dysplasia/Cardiomyopathy 8; ARRHYTHMOGENIC RIGHT VENTRICULAR DYSPLASIA, FAMILIAL, 8; ARRHYTHMOGENIC RIGHT VENTRICULAR CARDIOMYOPATHY 8. Identifiers: MedGen C1843896, MONDO:0011831, OMIM 607450.

Submission:

Labcorp Genetics (formerly Invitae), Labcorp
Classification: Pathogenic for Arrhythmogenic cardiomyopathy with wooly hair and keratoderma; Arrhythmogenic right ventricular dysplasia 8. Last evaluated: 2023-05-27. Review status: criteria provided, single submitter. Criteria: Invitae Variant Classification Sherloc (09022015). Collection method: clinical testing. Allele origin: germline.
Comment: This sequence change creates a premature translational stop signal (p.Arg561Glyfs*3) in the DSP gene. It is expected to result in an absent or disrupted protein product. Loss-of-function variants in DSP are known to be pathogenic (PMID: 20716751, 24503780, 25227139). This variant is not present in population databases (gnomAD no frequency). For these reasons, this variant has been classified as Pathogenic. This variant has not been reported in the literature in individuals affected with DSP-related conditions.

Literature cited by the submitters: PubMed 20716751; PubMed 24503780; PubMed 25227139.